The following is an entry in ClinVar:

NM_000390.4(CHM):c.11C>T (p.Thr4Ile)

Gene: CHM (CHM Rab escort protein; minus strand). Cytogenetic location: Xq21.2.
Variant type: single nucleotide variant.
Coding change: c.11C>T on transcript NM_000390.4 (MANE Select); coding-DNA position 11, C replaced by T.
Protein change: p.Thr4Ile; replaces threonine 4 with isoleucine.
Molecular consequence: missense variant.
Genome position (GRCh38, 1-based): chrX:86,047,522, G>A on the plus strand (C>T on the coding strand, the complement: CHM is on the minus strand). VCF-style: chrX-86047522-G-A. GRCh37 (hg19) VCF-style: chrX-85302526-G-A.
Other names: c.11C>T (NM_000390.3); c.11C>T, p.Thr4Ile (NM_001145414.4); short protein forms T4I.
Identifiers: ClinVar variation 2052372 (VCV002052372.5), dbSNP rs370525929, ClinGen allele CA413788707.

ClinVar aggregate classification (germline): Uncertain significance. Review status: criteria provided, single submitter (1 of 4 stars). 2 submissions from 2 submitters: Uncertain significance (1). 1 of the submissions does not count toward it. Last evaluated 2022-07-26.

Conditions:
Choroideremia. Also called: Chorioretinal scalloped atrophy. Identifiers: Orphanet 180, MedGen C0008525, MONDO:0010557, OMIM 303100, HP:0001139.

Submissions (2):

Labcorp Genetics (formerly Invitae), Labcorp
Classification: Uncertain significance. Last evaluated: 2022-07-26. Review status: criteria provided, single submitter. Criteria: Invitae Variant Classification Sherloc (09022015). Collection method: clinical testing. Allele origin: germline.
Comment: This sequence change replaces threonine, which is neutral and polar, with isoleucine, which is neutral and non-polar, at codon 4 of the CHM protein (p.Thr4Ile). This variant is not present in population databases (gnomAD no frequency). This variant has not been reported in the literature in individuals affected with CHM-related conditions. Algorithms developed to predict the effect of missense changes on protein structure and function are either unavailable or do not agree on the potential impact of this missense change (SIFT: "Deleterious"; PolyPhen-2: "Benign"; Align-GVGD: "Class C0"). In summary, the available evidence is currently insufficient to determine the role of this variant in disease. Therefore, it has been classified as a Variant of Uncertain Significance.

Natera, Inc.
Classification: Uncertain significance for Choroideremia. Last evaluated: 2025-03-24. Review status: no assertion criteria provided. Collection method: clinical testing. Allele origin: germline. Not counted in ClinVar's aggregate classification.